The following is an entry in ClinVar:

ClinVar aggregate classification (germline): Uncertain significance (1 of 4 stars; one submission).

Submission:

Labcorp Genetics (formerly Invitae), Labcorp
Classification: Uncertain significance. Last evaluated: 2023-10-22. Review status: criteria provided, single submitter. Criteria: Invitae Variant Classification Sherloc (09022015). Collection method: clinical testing. Allele origin: germline.
Comment: This variant, c.465_467del, results in the deletion of 1 amino acid(s) of the GNB3 protein (p.Asn156del), but otherwise preserves the integrity of the reading frame. This variant is present in population databases (rs782200140, gnomAD 0.003%). This variant has not been reported in the literature in individuals affected with GNB3-related conditions. Experimental studies and prediction algorithms are not available or were not evaluated, and the functional significance of this variant is currently unknown. In summary, the available evidence is currently insufficient to determine the role of this variant in disease. Therefore, it has been classified as a Variant of Uncertain Significance.

NM_002075.4(GNB3):c.462CAA[1] (p.Asn156del)

Gene: GNB3 (G protein subunit beta 3; plus strand). Cytogenetic location: 12p13.31.
Variant type: Microsatellite.
Coding change: c.462CAA[1] on transcript NM_002075.4 (MANE Select); one copy of the 3-base unit CAA starting at c.462; the reference has two copies in a row; one copy, 3 bases deleted.
Protein change: p.Asn156del; deletes asparagine 156.
Molecular consequence: inframe deletion.
Genome position (GRCh38, 1-based): chr12:6,843,666-6,843,668, CAA deleted; deleting any 3 consecutive bases within chr12:6,843,662-6,843,668 gives the same sequence; the position shown is the placement nearest the transcript's 3' end. VCF-style (leftmost placement, unchanged base first): chr12-6843661-GACA-G. GRCh37 (hg19) VCF-style: chr12-6952825-GACA-G.
Other names: c.462CAA[1], p.Asn156del (NM_001297571.2); short protein forms N156del.
Identifiers: ClinVar variation 2879075 (VCV002879075.3), dbSNP rs782200140, ClinGen allele CA6417551.